The following is an entry in ClinVar:

NM_000334.4(SCN4A):c.2389T>C (p.Phe797Leu)

Genes: GH-LCR (growth hormone locus control region; plus strand), SCN4A (sodium voltage-gated channel alpha subunit 4; minus strand). Cytogenetic location: 17q23.3.
Variant type: single nucleotide variant.
Coding change: c.2389T>C on transcript NM_000334.4 (MANE Select); coding-DNA position 2389, T replaced by C.
Protein change: p.Phe797Leu; replaces phenylalanine 797 with leucine.
Molecular consequence: missense variant.
Genome position (GRCh38, 1-based): chr17:63,951,888, A>G on the plus strand (T>C on the coding strand, the complement: SCN4A is on the minus strand). VCF-style: chr17-63951888-A-G. GRCh37 (hg19) VCF-style: chr17-62029248-A-G.
Other names: short protein forms F797L.
Identifiers: ClinVar variation 3571798 (VCV003571798.1).

ClinVar aggregate classification (germline): Uncertain significance (1 of 4 stars; one submission).

Submission:

Athena Diagnostics
Classification: Uncertain significance. Last evaluated: 2023-11-07. Review status: criteria provided, single submitter. Criteria: Athena Diagnostics Criteria. Collection method: clinical testing. Allele origin: unknown.
Comment: Available data are insufficient to determine the clinical significance of the variant at this time. This variant has been identified in at least one individual tested at Athena Diagnostics with clinical features associated with this gene. This variant has not been reported in large, multi-ethnic general populations. Computational tools predict that this variant is damaging. The variant is located in a region that is considered important for protein function and/or structure.